The following is an entry in ClinVar:

ClinVar aggregate classification (germline): Pathogenic. Review status: criteria provided, single submitter (1 of 4 stars). 3 submissions from 3 submitters: Pathogenic (1). 2 of the submissions do not count toward it. Last evaluated 2022-07-18.

Conditions:
Finnish congenital nephrotic syndrome (NPHS1). Also called: NEPHROTIC SYNDROME, TYPE 1. Identifiers: Orphanet 839, MedGen C0403399, MONDO:0009732, OMIM 256300.

Submissions (3):

Labcorp Genetics (formerly Invitae), Labcorp
Classification: Pathogenic. Last evaluated: 2022-07-18. Review status: criteria provided, single submitter. Criteria: Invitae Variant Classification Sherloc (09022015). Collection method: clinical testing. Allele origin: germline.
Comment: This variant is not present in population databases (gnomAD no frequency). For these reasons, this variant has been classified as Pathogenic. ClinVar contains an entry for this variant (Variation ID: 56479). This premature translational stop signal has been observed in individual(s) with congenital nephrotic syndrome (PMID: 19321760). In at least one individual the data is consistent with being in trans (on the opposite chromosome) from a pathogenic variant. This sequence change creates a premature translational stop signal (p.Gln839Argfs*8) in the NPHS1 gene. It is expected to result in an absent or disrupted protein product. Loss-of-function variants in NPHS1 are known to be pathogenic (PMID: 11317351, 11854170, 12039988).

Counsyl
Classification: Pathogenic for Finnish congenital nephrotic syndrome. Last evaluated: 2017-11-29. Review status: no assertion criteria provided. Collection method: clinical testing. Allele origin: unknown. Not counted in ClinVar's aggregate classification.

Juha Muilu Group; Institute for Molecular Medicine Finland (FIMM)
Classification: Likely pathogenic for Finnish congenital nephrotic syndrome. Review status: no assertion criteria provided. Collection method: not provided. Allele origin: unknown. Not counted in ClinVar's aggregate classification.
Comment: FinDis database variant: This variant was not found or characterized by our laboratory, data were collected from public sources: see reference
ClinVar note: Converted during submission from probable-pathogenic to Likely pathogenic.

Literature cited by the submitters: PubMed 19321760 (cited by Labcorp Genetics (formerly Invitae), Labcorp and Counsyl); PubMed 11317351 (cited by Labcorp Genetics (formerly Invitae), Labcorp); PubMed 11854170 (cited by Labcorp Genetics (formerly Invitae), Labcorp); PubMed 12039988 (cited by Labcorp Genetics (formerly Invitae), Labcorp); PubMed 24142548 (cited by Counsyl).

NM_004646.4(NPHS1):c.2515del (p.Gln839fs)

Gene: NPHS1 (NPHS1 adhesion molecule, nephrin; minus strand). Cytogenetic location: 19q13.12.
Variant type: Deletion.
Coding change: c.2515del on transcript NM_004646.4 (MANE Select); coding-DNA position 2515, one base deleted (C; older notation c.2515delC).
Protein change: p.Gln839fs; shifts the reading frame from glutamine 839.
Molecular consequence: frameshift variant.
Genome position (GRCh38, 1-based): chr19:35,842,272, G deleted on the plus strand (C on the coding strand, the reverse complement: NPHS1 is on the minus strand); the first of 6 consecutive G bases (chr19:35,842,272-35,842,277); deleting any one gives the same sequence. VCF-style (leftmost placement, unchanged base first): chr19-35842271-TG-T. GRCh37 (hg19) VCF-style: chr19-36333173-TG-T.
Other names: c.2515delC (NM_004646.3); short protein forms Q839fs.
Identifiers: ClinVar variation 56479 (VCV000056479.11), dbSNP rs386833918, ClinGen allele CA250197.